The following is an entry in ClinVar:

ClinVar aggregate classification (germline): Conflicting classifications of pathogenicity. Review status: criteria provided, conflicting classifications (1 of 4 stars). 4 submissions from 4 submitters: Uncertain significance (1); Likely benign (3). Last evaluated 2025-10-19.

Conditions:
PRPF3-related disorder. Also called: PRPF3-related condition.
Retinitis pigmentosa (RP). Identifiers: Orphanet 791, MedGen C0035334, MeSH D012174, MONDO:0019200, OMIM 268000. Inheritance: Autosomal dominant, autosomal recessive and X linked inheritance.

Allele frequency attached by ClinVar (database versions not stated): TOPMed 0.00006; ExAC 0.00007; gnomAD exomes 0.00011.
gnomAD v4.1: 144 of 1,613,292 alleles (0.0089%); highest among the groups gnomAD compares: Admixed American, 0.015%; no homozygotes.

Submissions (4):

PreventionGenetics, part of Exact Sciences
Classification: Likely benign for PRPF3-related condition. Last evaluated: 2025-10-19. Review status: criteria provided, single submitter. Criteria: ACMG Guidelines, 2015. Collection method: clinical testing. Allele origin: germline.
Comment: This variant is classified as likely benign based on ACMG/AMP sequence variant interpretation guidelines (Richards et al. 2015 PMID: 25741868, with internal and published modifications).

Labcorp Genetics (formerly Invitae), Labcorp
Classification: Likely benign. Last evaluated: 2025-10-05. Review status: criteria provided, single submitter. Criteria: Invitae Variant Classification Sherloc (09022015). Collection method: clinical testing. Allele origin: germline.

Blueprint Genetics
Classification: Likely benign. Last evaluated: 2024-11-23. Review status: criteria provided, single submitter. Criteria: ACMG Guidelines, 2015. Collection method: clinical testing. Allele origin: germline.

Illumina Laboratory Services, Illumina
Classification: Uncertain significance for Retinitis pigmentosa. Last evaluated: 2018-01-12. Review status: criteria provided, single submitter. Criteria: ICSL Variant Classification Criteria 13 December 2019. Collection method: clinical testing. Allele origin: germline.

NM_004698.4(PRPF3):c.1851G>A (p.Glu617=)

Gene: PRPF3 (pre-mRNA processing factor 3; plus strand). Cytogenetic location: 1q21.2.
Variant type: single nucleotide variant.
Coding change: c.1851G>A on transcript NM_004698.4 (MANE Select); coding-DNA position 1851, G replaced by A.
Protein change: p.Glu617=; no amino-acid change (glutamic acid 617 retained).
Molecular consequence: synonymous variant. On other transcripts: non-coding transcript variant (4).
Genome position (GRCh38, 1-based): chr1:150,349,164, G>A. VCF-style: chr1-150349164-G-A. GRCh37 (hg19) VCF-style: chr1-150321640-G-A.
Other names: c.1446G>A, p.Glu482= (NM_001350529.1).
Identifiers: ClinVar variation 292504 (VCV000292504.14), dbSNP rs782390597, ClinGen allele CA1075725.
Genomic context (GRCh38, chr1:150,349,164, plus strand): 5'-TTGTTTAGAACCTGAATCTCAAGTCTAAGTCTGTAACAAGATTTCTCTTCCAGATGATGA[G>A]GAGTCTGATGAGGAAGCTGTGAAGAAAACCAACAAATGTGTACTAGTCTGGGAGGTAGGT-3'
Protein context (NP_004689.1, residues 607-627): QTSNTKGDDD[Glu617=]ESDEEAVKKT